The following is an entry in ClinVar:

NM_001142800.2(EYS):c.8349G>A (p.Trp2783Ter)

Genes: EYS (EGF-like photoreceptor maintenance factor; minus strand), PHF3 (PHD finger protein 3; plus strand). Cytogenetic location: 6q12.
Variant type: single nucleotide variant.
Coding change: c.8349G>A on transcript NM_001142800.2 (MANE Select); coding-DNA position 8349, G replaced by A.
Protein change: p.Trp2783Ter; replaces tryptophan 2783 with a stop codon.
Molecular consequence: nonsense. On other transcripts: 3 prime UTR variant (5).
Genome position (GRCh38, 1-based): chr6:63,721,682, C>T on the plus strand (G>A on the coding strand, the complement: EYS is on the minus strand). VCF-style: chr6-63721682-C-T. GRCh37 (hg19) VCF-style: chr6-64431578-C-T.
Other names: c.*7974C>T (NM_001290259.2, NM_001370348.2, NM_001370349.2 and 2 more transcripts); c.8412G>A, p.Trp2804Ter (NM_001292009.2); short protein forms W2783*, W2804*.
Identifiers: ClinVar variation 2136425 (VCV002136425.4), dbSNP rs2533392953, ClinGen allele CA364385132.

ClinVar aggregate classification (germline): Pathogenic (1 of 4 stars; one submission).

Submission:

Labcorp Genetics (formerly Invitae), Labcorp
Classification: Pathogenic. Last evaluated: 2022-05-18. Review status: criteria provided, single submitter. Criteria: Invitae Variant Classification Sherloc (09022015). Collection method: clinical testing. Allele origin: germline.
Comment: For these reasons, this variant has been classified as Pathogenic. This variant disrupts a region of the EYS protein in which other variant(s) (p.Tyr3135*) have been determined to be pathogenic (PMID: 18976725, 29159838, 30337596, 31074760). This suggests that this is a clinically significant region of the protein, and that variants that disrupt it are likely to be disease-causing. This premature translational stop signal has been observed in individual(s) with retinitis pigmentosa (PMID: 20333770). This variant is not present in population databases (gnomAD no frequency). This sequence change creates a premature translational stop signal (p.Trp2783*) in the EYS gene. While this is not anticipated to result in nonsense mediated decay, it is expected to disrupt the last 362 amino acid(s) of the EYS protein.

Literature cited by the submitters: PubMed 18976725; PubMed 29159838; PubMed 30337596; PubMed 31074760; PubMed 20333770.